The following is an entry in ClinVar:

ClinVar aggregate classification (germline): Uncertain significance. Review status: criteria provided, multiple submitters, no conflicts (2 of 4 stars). 2 submissions from 2 submitters: Uncertain significance (2). Last evaluated 2023-07-31.

Allele frequency attached by ClinVar (database versions not stated): gnomAD exomes below 0.00001; TOPMed below 0.00001.
gnomAD v4.1: 2 of 1,605,002 alleles (0.00012%); highest among the groups gnomAD compares: Non-Finnish European, 0.00017%; no homozygotes.

Submissions (2):

Ambry Genetics
Classification: Uncertain significance. Last evaluated: 2023-07-31. Review status: criteria provided, single submitter. Criteria: Ambry Variant Classification Scheme 2023. Collection method: clinical testing. Allele origin: germline.

Labcorp Genetics (formerly Invitae), Labcorp
Classification: Uncertain significance. Last evaluated: 2022-09-08. Review status: criteria provided, single submitter. Criteria: Invitae Variant Classification Sherloc (09022015). Collection method: clinical testing. Allele origin: germline.
Comment: In summary, the available evidence is currently insufficient to determine the role of this variant in disease. Therefore, it has been classified as a Variant of Uncertain Significance. Algorithms developed to predict the effect of sequence changes on RNA splicing suggest that this variant may disrupt the consensus splice site. Algorithms developed to predict the effect of missense changes on protein structure and function output the following: SIFT: "Not Available"; PolyPhen-2: "Benign"; Align-GVGD: "Not Available". The arginine amino acid residue is found in multiple mammalian species, which suggests that this missense change does not adversely affect protein function. ClinVar contains an entry for this variant (Variation ID: 1421963). This variant has not been reported in the literature in individuals affected with CEP250-related conditions. This variant is not present in population databases (gnomAD no frequency). This sequence change replaces glutamine, which is neutral and polar, with arginine, which is basic and polar, at codon 1220 of the CEP250 protein (p.Gln1220Arg).

NM_007186.6(CEP250):c.3659A>G (p.Gln1220Arg)

Gene: CEP250 (centrosomal protein 250; plus strand). Cytogenetic location: 20q11.22.
Variant type: single nucleotide variant.
Coding change: c.3659A>G on transcript NM_007186.6 (MANE Select); coding-DNA position 3659, A replaced by G.
Protein change: p.Gln1220Arg; replaces glutamine 1220 with arginine.
Molecular consequence: missense variant.
Genome position (GRCh38, 1-based): chr20:35,498,598, A>G. VCF-style: chr20-35498598-A-G. GRCh37 (hg19) VCF-style: chr20-34086427-A-G.
Other names: c.1763A>G, p.Gln588Arg (NM_001318219.1); c.3659A>G (NM_007186.3); short protein forms Q1220R, Q588R.
Identifiers: ClinVar variation 1421963 (VCV001421963.9), dbSNP rs2063913597, ClinGen allele CA408744950.
Genomic context (GRCh38, chr20:35,498,598, plus strand): 5'-CTGGCTGTTTCTTTTCATAGTGGCAGCCAGGTAAGGAGGTTTTCCTCATTTTTTCAGACC[A>G]GAATGGAGCTAGGAGCCTCTTTAAGAGAGGGCCCCTGCTGACTGCTCTCTCCGCTGAGGC-3'
Protein context (NP_009117.2, residues 1210-1230): APSVWGLEPD[Gln1220Arg]NGARSLFKRG